The following is an entry in ClinVar:

NM_133259.4(LRPPRC):c.1865_1868del (p.Ile622fs)

Gene: LRPPRC (leucine rich pentatricopeptide repeat containing; minus strand). Cytogenetic location: 2p21.
Variant type: Deletion.
Coding change: c.1865_1868del on transcript NM_133259.4 (MANE Select); coding-DNA positions 1865 to 1868, 4 bases deleted (TCTA; older notation c.1865_1868delTCTA).
Protein change: p.Ile622fs; shifts the reading frame from isoleucine 622.
Molecular consequence: frameshift variant.
Genome position (GRCh38, 1-based): chr2:43,948,174-43,948,177, TAGA deleted on the plus strand (TCTA on the coding strand, the reverse complement: LRPPRC is on the minus strand); deleting any 4 consecutive bases within chr2:43,948,174-43,948,179 gives the same sequence; the c. name uses the placement nearest the transcript's 3' end. VCF-style (leftmost placement, unchanged base first): chr2-43948173-GTAGA-G. GRCh37 (hg19) VCF-style: chr2-44175312-GTAGA-G.
Other names: c.1865_1868del (NM_133259.3); short protein forms I622fs.
Identifiers: ClinVar variation 554233 (VCV000554233.17), dbSNP rs752914914, ClinGen allele CA1638694.

ClinVar aggregate classification (germline): Pathogenic/Likely pathogenic. Review status: criteria provided, multiple submitters, no conflicts (2 of 4 stars). 5 submissions from 5 submitters: Pathogenic (1); Likely pathogenic (3). 1 of the submissions does not count toward it. Last evaluated 2024-03-20.

Conditions:
Congenital lactic acidosis, Saguenay-Lac-Saint-Jean type (MC4DN5). Also called: MITOCHONDRIAL COMPLEX IV DEFICIENCY, NUCLEAR TYPE 5; CYTOCHROME c OXIDASE DEFICIENCY, FRENCH CANADIAN TYPE; COX DEFICIENCY, FRENCH CANADIAN TYPE. Identifiers: Orphanet 70472, MedGen C1857355, MONDO:0009069, OMIM 220111.

Submissions (5):

Fulgent Genetics
Classification: Likely pathogenic for Congenital lactic acidosis, Saguenay-Lac-Saint-Jean type. Last evaluated: 2024-03-20. Review status: criteria provided, single submitter. Criteria: ACMG Guidelines, 2015. Collection method: clinical testing. Allele origin: germline.

Natera, Inc.
Classification: Likely pathogenic for French-Canadian type Leigh syndrome. Last evaluated: 2024-02-27. Review status: criteria provided, single submitter. Criteria: Natera Variant Classification Schema (03/2026). Collection method: clinical testing. Allele origin: germline.
Comment: The c.1865_1868delTCTA variant in LRPPRC is a frameshift variant predicted to shift the reading frame beginning at codon 622 and leads to a stop codon 16 codons downstream. This variant is expected to result in nonsense mediated decay, truncation, or a dysfunctional protein product. This variant is rare in the general population with a frequency below the threshold expected for the associated phenotype(s). Given the available evidence, this variant is classified as Likely Pathogenic.

Labcorp Genetics (formerly Invitae), Labcorp
Classification: Pathogenic. Last evaluated: 2024-02-23. Review status: criteria provided, single submitter. Criteria: Invitae Variant Classification Sherloc (09022015). Collection method: clinical testing. Allele origin: germline.
Comment: This sequence change creates a premature translational stop signal (p.Ile622Thrfs*16) in the LRPPRC gene. It is expected to result in an absent or disrupted protein product. Loss-of-function variants in LRPPRC are known to be pathogenic (PMID: 26510951). This variant is present in population databases (rs752914914, gnomAD 0.01%). This variant has not been reported in the literature in individuals affected with LRPPRC-related conditions. ClinVar contains an entry for this variant (Variation ID: 554233). Algorithms developed to predict the effect of sequence changes on RNA splicing suggest that this variant may disrupt the consensus splice site. For these reasons, this variant has been classified as Pathogenic.

Revvity Omics, Revvity
Classification: Likely pathogenic for Congenital lactic acidosis, Saguenay-Lac-Saint-Jean type. Last evaluated: 2022-07-26. Review status: criteria provided, single submitter. Criteria: ACMG Guidelines, 2015. Collection method: clinical testing. Allele origin: germline.

Counsyl
Classification: Likely pathogenic for Congenital lactic acidosis, Saguenay-Lac-Saint-Jean type. Last evaluated: 2017-10-04. Review status: no assertion criteria provided. Collection method: clinical testing. Allele origin: unknown. Not counted in ClinVar's aggregate classification.

Literature cited by the submitters: PubMed 26510951 (cited by Labcorp Genetics (formerly Invitae), Labcorp).